The following is an entry in ClinVar:

ClinVar aggregate classification (germline): Pathogenic/Likely pathogenic. Review status: criteria provided, multiple submitters, no conflicts (2 of 4 stars). 4 submissions from 4 submitters: Pathogenic (3); Likely pathogenic (1). Last evaluated 2025-07-31.

Conditions:
Hereditary cancer-predisposing syndrome. Also called: Hereditary neoplastic syndrome; Neoplastic Syndromes, Hereditary; Tumor predisposition; Hereditary Cancer Syndrome. Identifiers: Orphanet 140162, MedGen C0027672, MeSH D009386, MONDO:0015356.
Familial cancer of breast. Also called: BREAST CANCER, FAMILIAL; Hereditary breast cancer; hereditary breast carcinoma. Identifiers: Orphanet 227535, MedGen C0346153, MONDO:0016419, OMIM 114480. Disease mechanism: loss of function.
Ataxia-telangiectasia syndrome (AT). Also called: LOUIS-BAR SYNDROME; Cerebello-oculocutaneous telangiectasia; Immunodeficiency with ataxia telangiectasia; AT, COMPLEMENTATION GROUP C; Ataxia-telangiectasia, complementation group D; ATAXIA-TELANGIECTASIA, COMPLEMENTATION GROUP A. Identifiers: Orphanet 100, MedGen C0004135, MONDO:0008840, OMIM 208900.

Submissions (4):

Ambry Genetics
Classification: Pathogenic for Hereditary cancer-predisposing syndrome. Last evaluated: 2025-07-31. Review status: criteria provided, single submitter. Criteria: Ambry Variant Classification Scheme 2023. Collection method: clinical testing. Allele origin: germline.
Comment: The c.3538delG pathogenic mutation, located in coding exon 23 of the ATM gene, results from a deletion of one nucleotide at nucleotide position 3538, causing a translational frameshift with a predicted alternate stop codon (p.V1180*). This variant is considered to be rare based on population cohorts in the Genome Aggregation Database (gnomAD). This alteration is expected to result in loss of function by premature protein truncation or nonsense-mediated mRNA decay. As such, this alteration is interpreted as a disease-causing mutation.

Labcorp Genetics (formerly Invitae), Labcorp
Classification: Pathogenic for Ataxia-telangiectasia syndrome. Last evaluated: 2024-04-10. Review status: criteria provided, single submitter. Criteria: Invitae Variant Classification Sherloc (09022015). Collection method: clinical testing. Allele origin: germline.
Comment: This sequence change creates a premature translational stop signal (p.Val1180*) in the ATM gene. It is expected to result in an absent or disrupted protein product. Loss-of-function variants in ATM are known to be pathogenic (PMID: 23807571, 25614872). This variant is not present in population databases (gnomAD no frequency). This variant has not been reported in the literature in individuals affected with ATM-related conditions. ClinVar contains an entry for this variant (Variation ID: 481308). Algorithms developed to predict the effect of sequence changes on RNA splicing suggest that this variant may disrupt the consensus splice site. For these reasons, this variant has been classified as Pathogenic.

Baylor Genetics
Classification: Likely pathogenic for Familial cancer of breast. Last evaluated: 2024-01-31. Review status: criteria provided, single submitter. Criteria: ACMG Guidelines, 2015. Collection method: clinical testing. Allele origin: unknown.

Myriad Genetics, Inc.
Classification: Pathogenic for Familial cancer of breast. Last evaluated: 2024-01-22. Review status: criteria provided, single submitter. Criteria: Myriad Autosomal Dominant, Autosomal Recessive and X-Linked Classification Criteria (2023). Collection method: clinical testing. Allele origin: unknown.
Comment: This variant is considered pathogenic. This variant creates a termination codon and is predicted to result in premature protein truncation.

Literature cited by the submitters: PubMed 23807571 (cited by Labcorp Genetics (formerly Invitae), Labcorp); PubMed 25614872 (cited by Labcorp Genetics (formerly Invitae), Labcorp).

NM_000051.4(ATM):c.3538del (p.Ser1179_Val1180insTer)

Gene: ATM (ATM serine/threonine kinase; plus strand). Cytogenetic location: 11q22.3.
Variant type: Deletion.
Coding change: c.3538del on transcript NM_000051.4 (MANE Select); coding-DNA position 3538, one base deleted (G; older notation c.3538delG).
Protein change: p.Ser1179_Val1180insTer.
Molecular consequence: nonsense.
Genome position (GRCh38, 1-based): chr11:108,281,130, G deleted. VCF-style (leftmost placement, unchanged base first): chr11-108281129-TG-T. GRCh37 (hg19) VCF-style: chr11-108151856-TG-T.
Other names: c.3538delG (NM_000051.3); c.3538del, p.Ser1179_Val1180insTer (NM_001351834.2).
Identifiers: ClinVar variation 481308 (VCV000481308.15), dbSNP rs1555091370, ClinGen allele CA658656214.